The following is an entry in ClinVar:

ClinVar aggregate classification (germline): Pathogenic/Likely pathogenic. Review status: criteria provided, multiple submitters, no conflicts (2 of 4 stars). 4 submissions from 4 submitters: Pathogenic (3); Likely pathogenic (1). Last evaluated 2025-08-14.

Conditions:
Cystic fibrosis (CF). Also called: MUCOVISCIDOSIS. Identifiers: Orphanet 586, MedGen C0010674, MONDO:0009061, OMIM 219700. Disease mechanism: loss of function.
CFTR-related disorder (CFTR-RD). Also called: CFTR-related disorders; CFTR-related condition. Identifiers: MedGen C5924204, MONDO:7770004.

Submissions (4):

Natera, Inc.
Classification: Likely pathogenic for CFTR-related disorders. Last evaluated: 2025-08-14. Review status: criteria provided, single submitter. Criteria: Natera Variant Classification Schema (03/2026). Collection method: clinical testing. Allele origin: germline.
Comment: The c.874G>T variant in CFTR is a nonsense variant predicted to introduce a stop codon at amino acid 292. This variant is expected to result in nonsense mediated decay, truncation, or a dysfunctional protein product. This variant is rare in the general population with a frequency below the threshold expected for the associated phenotype(s). Given the available evidence, this variant is classified as Likely Pathogenic.

Labcorp Genetics (formerly Invitae), Labcorp
Classification: Pathogenic for Cystic fibrosis. Last evaluated: 2023-04-13. Review status: criteria provided, single submitter. Criteria: Invitae Variant Classification Sherloc (09022015). Collection method: clinical testing. Allele origin: germline.
Comment: Algorithms developed to predict the effect of sequence changes on RNA splicing suggest that this variant may disrupt the consensus splice site. ClinVar contains an entry for this variant (Variation ID: 818119). This variant has not been reported in the literature in individuals affected with CFTR-related conditions. This variant is not present in population databases (gnomAD no frequency). This sequence change creates a premature translational stop signal (p.Glu292*) in the CFTR gene. It is expected to result in an absent or disrupted protein product. Loss-of-function variants in CFTR are known to be pathogenic (PMID: 1695717, 7691345, 9725922). For these reasons, this variant has been classified as Pathogenic.

CFTR-France
Classification: Pathogenic for cystic fibrosis. Last evaluated: 2018-01-29. Review status: criteria provided, single submitter. Criteria: Claustres M et al. (Hum Mutat 2017). Collection method: curation. Allele origin: germline. Affected: yes.

Ambry Genetics
Classification: Pathogenic for Cystic fibrosis. Last evaluated: 2016-02-04. Review status: criteria provided, single submitter. Criteria: Ambry Variant Classification Scheme 2023. Collection method: clinical testing. Allele origin: germline.
Comment: The p.E292* pathogenic mutation (also known as c.874G>T and p.E292X), located in coding exon 8 of the CFTR gene, results from a G to T substitution at nucleotide position 874. This changes the amino acid from a glutamic acid to a stop codon within coding exon 8. Since premature stop codons are typically deleterious in nature, this alteration is interpreted as a disease-causing mutation (ACMG Recommendations for Standards for Interpretation and Reporting of Sequence Variations. Revision 2007. Genet Med. 2008;10:294).

Literature cited by the submitters: PubMed 1695717 (cited by Labcorp Genetics (formerly Invitae), Labcorp); PubMed 7691345 (cited by Labcorp Genetics (formerly Invitae), Labcorp); PubMed 9725922 (cited by Labcorp Genetics (formerly Invitae), Labcorp).

NM_000492.4(CFTR):c.874G>T (p.Glu292Ter)

Gene: CFTR (CF transmembrane conductance regulator; plus strand). Cytogenetic location: 7q31.2.
Variant type: single nucleotide variant.
Coding change: c.874G>T on transcript NM_000492.4 (MANE Select); coding-DNA position 874, G replaced by T.
Protein change: p.Glu292Ter; replaces glutamic acid 292 with a stop codon.
Molecular consequence: nonsense.
Genome position (GRCh38, 1-based): chr7:117,540,104, G>T. VCF-style: chr7-117540104-G-T. GRCh37 (hg19) VCF-style: chr7-117180158-G-T.
Other names: short protein forms E292*.
Identifiers: ClinVar variation 818119 (VCV000818119.10), dbSNP rs397508811, ClinGen allele CA368977848.
Genomic context (GRCh38, chr7:117,540,104, plus strand): 5'-CTGATATTTGAAAAATAAAATAACATCCTGAATTTTATTGTTATTGTTTTTTATAGAACA[G>T]AACTGAAACTGACTCGGAAGGCAGCCTATGTGAGATACTTCAATAGCTCAGCCTTCTTCT-3'